The following is an entry in ClinVar:

NM_020163.3(SEMA3G):c.795C>T (p.Arg265=)

Gene: SEMA3G (semaphorin 3G; minus strand). Cytogenetic location: 3p21.1.
Variant type: single nucleotide variant.
Coding change: c.795C>T on transcript NM_020163.3 (MANE Select); coding-DNA position 795, C replaced by T.
Protein change: p.Arg265=; no amino-acid change (arginine 265 retained).
Molecular consequence: synonymous variant.
Genome position (GRCh38, 1-based): chr3:52,441,282, G>A on the plus strand (C>T on the coding strand, the complement: SEMA3G is on the minus strand). VCF-style: chr3-52441282-G-A. GRCh37 (hg19) VCF-style: chr3-52475298-G-A.
Identifiers: ClinVar variation 4990389 (VCV004990389.1).

ClinVar aggregate classification (germline): Likely benign (1 of 4 stars; one submission).

Conditions:
SEMA3G-related disorder. Also called: SEMA3G-related condition.

gnomAD v4.1: 125 of 1,613,446 alleles (0.0077%); highest among the groups gnomAD compares: South Asian, 0.12%; no homozygotes.

Submission:

PreventionGenetics, part of Exact Sciences
Classification: Likely benign for SEMA3G-related condition. Last evaluated: 2024-10-11. Review status: criteria provided, single submitter. Criteria: ACMG Guidelines, 2015. Collection method: clinical testing. Allele origin: germline.
Comment: This variant is classified as likely benign based on ACMG/AMP sequence variant interpretation guidelines (Richards et al. 2015 PMID: 25741868, with internal and published modifications).